The following is an entry in ClinVar:

ClinVar aggregate classification (germline): Benign (1 of 4 stars; one submission).

Allele frequency attached by ClinVar (database versions not stated): gnomAD 0.41955 and 0.42078; TOPMed 0.42413; 1000 Genomes Project 30x 0.45581; 1000 Genomes Project 0.46286.

Submission:

GeneDx
Classification: Benign. Last evaluated: 2018-06-14. Review status: criteria provided, single submitter. Criteria: GeneDx Variant Classification (06012015). Collection method: clinical testing. Allele origin: germline. Affected: yes.
Comment: This variant is considered likely benign or benign based on one or more of the following criteria: it is a conservative change, it occurs at a poorly conserved position in the protein, it is predicted to be benign by multiple in silico algorithms, and/or has population frequency not consistent with disease.

NM_001166114.2(PNPLA6):c.3699+298C>T

Gene: PNPLA6 (patatin like domain 6, lysophospholipase; plus strand). Cytogenetic location: 19p13.2.
Variant type: single nucleotide variant.
Coding change: c.3699+298C>T on transcript NM_001166114.2 (MANE Select); 298 bases into the intron after coding-DNA position 3699, C replaced by T.
Molecular consequence: intron variant.
Genome position (GRCh38, 1-based): chr19:7,559,449, C>T. VCF-style: chr19-7559449-C-T. GRCh37 (hg19) VCF-style: chr19-7624335-C-T.
Other names: c.3585+298C>T (NM_006702.5, NM_001166113.1); c.3504+298C>T (NM_001166112.2); c.3729+298C>T (NM_001166111.2).
Identifiers: ClinVar variation 680711 (VCV000680711.1), dbSNP rs577029, ClinGen allele CA15948429.
Genomic context (GRCh38, chr19:7,559,449, plus strand): 5'-CACTGTATAGTGATTTCTACTGCCATTTCTGCATTGGTGGGAATGAGAATAGTGATGAAG[C>T]AGAAATGTCTGCCACAGTTCCAGGAGAGGGAGGTAGCAGTGCGTGTGTTATGTGCTACTG-3'